The following is an entry in ClinVar:

NM_001195.5(BFSP1):c.377+5G>C

Gene: BFSP1 (beaded filament structural protein 1; minus strand). Cytogenetic location: 20p12.1.
Variant type: single nucleotide variant.
Coding change: c.377+5G>C on transcript NM_001195.5 (MANE Select); 5 bases into the intron after coding-DNA position 377, G replaced by C.
Molecular consequence: intron variant.
Genome position (GRCh38, 1-based): chr20:17,530,948, C>G on the plus strand (G>C on the coding strand, the complement: BFSP1 is on the minus strand). VCF-style: chr20-17530948-C-G. GRCh37 (hg19) VCF-style: chr20-17511593-C-G.
Other names: c.-40-6040G>C (NM_001278608.2, NM_001278606.2); c.45-6040G>C (NM_001278607.2); c.3-6040G>C (NM_001161705.2).
Identifiers: ClinVar variation 383192 (VCV000383192.2), dbSNP rs1057521548, ClinGen allele CA16608422.

ClinVar aggregate classification (germline): Uncertain significance (1 of 4 stars; one submission).

Allele frequency attached by ClinVar (database versions not stated): TOPMed below 0.00001; gnomAD 0.00001; gnomAD exomes 0.00002.
gnomAD v4.1: 11 of 1,422,348 alleles (0.00077%); highest among the groups gnomAD compares: Non-Finnish European, 0.001%; no homozygotes.

Submission:

GeneDx
Classification: Uncertain significance. Last evaluated: 2016-02-10. Review status: criteria provided, single submitter. Criteria: GeneDx Variant Classification (06012015). Collection method: clinical testing. Allele origin: germline. Affected: yes.
Comment: The c.377+5G>C variant in the BFSP1 gene has not been reported previously as a pathogenic variant nor as a benign variant, to our knowledge. This variant reduces the quality of the splice donor site in intron 1, and is expected to cause abnormal gene splicing. The c.377+5G>C variant was not observed in approximately 4900 individuals of European and African American ancestry in the NHLBI Exome Sequencing Project, indicating it is not a common benign variant in these populations. We interpret c.377+5G>C as a variant of uncertain significance.